The following is an entry in ClinVar:

ClinVar aggregate classification (germline): Pathogenic/Likely pathogenic. Review status: criteria provided, multiple submitters, no conflicts (2 of 4 stars). 5 submissions from 5 submitters: Pathogenic (4); Likely pathogenic (1). Last evaluated 2026-06-08.

Conditions:
PDE6C-related disorder. Also called: PDE6C-related condition.
Achromatopsia. Also called: Rod monochromatism. Identifiers: Orphanet 49382, MedGen C0152200, MONDO:0018852, HP:0011516.
Cone dystrophy 4 (COD4). Identifiers: Orphanet 49382, MedGen C2751308, MONDO:0013129, OMIM 613093.

Allele frequency attached by ClinVar (database versions not stated): gnomAD exomes 0.00001 and 0.00004; TOPMed 0.00002.
gnomAD v4.1: 17 of 1,613,070 alleles (0.0011%); highest among the groups gnomAD compares: Admixed American, 0.02%; 1 homozygote.

Submissions (5):

PreventionGenetics, part of Exact Sciences
Classification: Pathogenic for PDE6C-related condition. Last evaluated: 2026-06-08. Review status: criteria provided, single submitter. Criteria: ACMG Guidelines, 2015. Collection method: clinical testing. Allele origin: germline.
Comment: The PDE6C c.1579C>T variant is predicted to result in premature protein termination (p.Arg527*). This variant was reported, in the heterozygous state along with a second causative variant in the same gene, in individuals with achromatopsia (see, for example, Dedania et al. 2018. PubMed ID: 28704108; Daich Varela et al. 2020. PubMed ID: 33001157). This variant is reported in 0.026% of alleles in individuals of Latino descent in gnomAD. Nonsense variants in PDE6C are expected to be pathogenic. This variant is interpreted as pathogenic.

Labcorp Genetics (formerly Invitae), Labcorp
Classification: Pathogenic. Last evaluated: 2026-01-04. Review status: criteria provided, single submitter. Criteria: Invitae Variant Classification Sherloc (09022015). Collection method: clinical testing. Allele origin: germline.
Comment: This sequence change creates a premature translational stop signal (p.Arg527*) in the PDE6C gene. It is expected to result in an absent or disrupted protein product. Loss-of-function variants in PDE6C are known to be pathogenic (PMID: 19887631, 23776498, 26103963, 30080950). This variant is present in population databases (no rsID available, gnomAD 0.02%). This premature translational stop signal has been observed in individuals with achromatopsia (PMID: 28704108, 30080950). ClinVar contains an entry for this variant (Variation ID: 487692). Algorithms developed to predict the effect of sequence changes on RNA splicing suggest that this variant may disrupt the consensus splice site. For these reasons, this variant has been classified as Pathogenic.

Blueprint Genetics
Classification: Pathogenic for PDE6C-related disorders. Last evaluated: 2022-11-14. Review status: criteria provided, single submitter. Criteria: ACMG Guidelines, 2015. Collection method: clinical testing. Allele origin: germline. Affected: yes. Observed: 2 variant alleles.

Genetics and Genomic Medicine Centre, NeuroGen Healthcare, NeuroGen Healthcare
Classification: Likely pathogenic for Cone dystrophy 4. Last evaluated: 2020-09-27. Review status: criteria provided, single submitter. Criteria: Submitter's publication. Collection method: clinical testing. Allele origin: unknown. Affected: no.

Molecular Genetics Laboratory, Institute for Ophthalmic Research
Classification: Pathogenic for Achromatopsia. Last evaluated: 2017-12-01. Review status: criteria provided, single submitter. Criteria: ACMG Guidelines, 2015. Collection method: research. Allele origin: germline. Affected: yes.

Literature cited by the submitters: PubMed 19887631 (cited by Labcorp Genetics (formerly Invitae), Labcorp); PubMed 23776498 (cited by Labcorp Genetics (formerly Invitae), Labcorp); PubMed 26103963 (cited by Labcorp Genetics (formerly Invitae), Labcorp); PubMed 30080950 (cited by Labcorp Genetics (formerly Invitae), Labcorp); PubMed 28704108 (cited by Labcorp Genetics (formerly Invitae), Labcorp).

NM_006204.4(PDE6C):c.1579C>T (p.Arg527Ter)

Gene: PDE6C (phosphodiesterase 6C; plus strand). Cytogenetic location: 10q23.33.
Variant type: single nucleotide variant.
Coding change: c.1579C>T on transcript NM_006204.4 (MANE Select); coding-DNA position 1579, C replaced by T.
Protein change: p.Arg527Ter; replaces arginine 527 with a stop codon.
Molecular consequence: nonsense.
Genome position (GRCh38, 1-based): chr10:93,640,166, C>T. VCF-style: chr10-93640166-C-T. GRCh37 (hg19) VCF-style: chr10-95399923-C-T.
Other names: short protein forms R527*.
Identifiers: ClinVar variation 487692 (VCV000487692.14), dbSNP rs1028838062, ClinGen allele CA211539823.